The following is an entry in ClinVar:

ClinVar aggregate classification (germline): Pathogenic. Review status: reviewed by expert panel (3 of 4 stars). 8 submissions from 8 submitters: Pathogenic (1). 7 of the submissions do not count toward it. Last evaluated 2013-09-05.

Conditions:
Lynch syndrome. Identifiers: Orphanet 144, MedGen C4552100, MONDO:0005835. Disease mechanism: loss of function.
Lynch syndrome 5 (LYNCH5). Also called: Colorectal cancer, hereditary nonpolyposis, type 5; Hereditary non-polyposis colorectal cancer, type 5. Identifiers: Orphanet 144, MedGen C1833477, MONDO:0013710, OMIM 614350. Disease mechanism: loss of function.
Hereditary nonpolyposis colorectal neoplasms. Identifiers: MedGen C0009405, MeSH D003123.
Hereditary cancer-predisposing syndrome. Also called: Tumor predisposition; Hereditary Cancer Syndrome; Hereditary neoplastic syndrome; Neoplastic Syndromes, Hereditary. Identifiers: Orphanet 140162, MedGen C0027672, MeSH D009386, MONDO:0015356.

Submissions (8):

International Society for Gastrointestinal Hereditary Tumours (InSiGHT)
Classification: Pathogenic for Lynch Syndrome. Last evaluated: 2013-09-05. Review status: reviewed by expert panel. Criteria: Guidelines v1.9. Collection method: research. Allele origin: germline.
Comment: Coding sequence variation resulting in a stop codon

Classified with v1.9 guidelines

Labcorp Genetics (formerly Invitae), Labcorp
Classification: Pathogenic for Hereditary nonpolyposis colorectal neoplasms. Last evaluated: 2023-11-05. Review status: criteria provided, single submitter. Criteria: Invitae Variant Classification Sherloc (09022015). Collection method: clinical testing. Allele origin: germline. Not counted in ClinVar's aggregate classification.
Comment: This sequence change creates a premature translational stop signal (p.Val907Argfs*10) in the MSH6 gene. It is expected to result in an absent or disrupted protein product. Loss-of-function variants in MSH6 are known to be pathogenic (PMID: 18269114, 24362816). This variant is not present in population databases (gnomAD no frequency). This premature translational stop signal has been observed in individual(s) with Lynch syndrome (PMID: 14871975, 15483016). ClinVar contains an entry for this variant (Variation ID: 89311). For these reasons, this variant has been classified as Pathogenic.

Myriad Genetics, Inc.
Classification: Pathogenic for Lynch syndrome 5. Last evaluated: 2023-08-17. Review status: criteria provided, single submitter. Criteria: Myriad Autosomal Dominant, Autosomal Recessive and X-Linked Classification Criteria (2023). Collection method: clinical testing. Allele origin: unknown. Not counted in ClinVar's aggregate classification.
Comment: This variant is considered pathogenic. This variant creates a frameshift predicted to result in premature protein truncation.

GeneDx
Classification: Pathogenic. Last evaluated: 2022-12-19. Review status: criteria provided, single submitter. Criteria: GeneDx Variant Classification Process June 2021. Collection method: clinical testing. Allele origin: germline. Affected: yes. Not counted in ClinVar's aggregate classification.
Comment: Frameshift variant predicted to result in protein truncation or nonsense mediated decay in a gene for which loss-of-function is a known mechanism of disease; Not observed at significant frequency in large population cohorts (gnomAD); Truncating variants in this gene are considered pathogenic by a well-established clinical consortium and/or database; This variant is associated with the following publications: (PMID: 14871975, 33693762, 18625694, 15483016)

Ambry Genetics
Classification: Pathogenic for Hereditary cancer-predisposing syndrome. Last evaluated: 2022-06-03. Review status: criteria provided, single submitter. Criteria: Ambry Variant Classification Scheme 2023. Collection method: clinical testing. Allele origin: germline. Not counted in ClinVar's aggregate classification.
Comment: The c.2719_2720delGT pathogenic mutation, located in coding exon 4 of the MSH6 gene, results from a deletion of two nucleotides at nucleotide positions 2719 to 2720, causing a translational frameshift with a predicted alternate stop codon (p.V907Rfs*10). This mutation has been reported in multiple individuals and families with Lynch syndrome, and at least one patient whose tumor demonstrated loss of MSH6 staining by immunohistochemistry (IHC) (de Jong AE et al. Clin Cancer Res, 2004 Feb;10:972-80; Plaschke J et al. J Clin Oncol, 2004 Nov;22:4486-94; Ramsoekh D et al. Gut, 2008 Nov;57:1539-44; Post CCB et al. J Natl Cancer Inst, 2021 09;113:1212-1220). In addition to the clinical data presented in the literature, this alteration is expected to result in loss of function by premature protein truncation or nonsense-mediated mRNA decay. As such, this alteration is interpreted as a disease-causing mutation.

Quest Diagnostics Nichols Institute San Juan Capistrano
Classification: Pathogenic. Last evaluated: 2020-05-22. Review status: criteria provided, single submitter. Criteria: Quest Diagnostics criteria. Collection method: clinical testing. Allele origin: unknown. Not counted in ClinVar's aggregate classification.
Comment: The variant results in a shift of the reading frame, and is therefore predicted to result in the loss of a functional protein. Found in at least one patient with expected phenotype for this gene, and not found in general population data.

Clinical Genetics DNA and cytogenetics Diagnostics Lab, Erasmus MC, Erasmus Medical Center
Classification: Pathogenic. Review status: no assertion criteria provided. Collection method: clinical testing. Allele origin: germline. Affected: yes. Study: VKGL Data-share Consensus. Not counted in ClinVar's aggregate classification.

Laboratory of Diagnostic Genome Analysis, Leiden University Medical Center (LUMC)
Classification: Pathogenic. Review status: no assertion criteria provided. Collection method: clinical testing. Allele origin: germline. Affected: yes. Study: VKGL Data-share Consensus. Not counted in ClinVar's aggregate classification.

Literature cited by the submitters: PubMed 18269114 (cited by Labcorp Genetics (formerly Invitae), Labcorp); PubMed 24362816 (cited by Labcorp Genetics (formerly Invitae), Labcorp); PubMed 14871975 (cited by 3 submitters); PubMed 15483016 (cited by 3 submitters); PubMed 18625694 (cited by Ambry Genetics); PubMed 33693762 (cited by Ambry Genetics).

NM_000179.3(MSH6):c.2719_2720del (p.Val907fs)

Gene: MSH6 (mutS homolog 6; plus strand). Cytogenetic location: 2p16.3.
Variant type: Deletion.
Coding change: c.2719_2720del on transcript NM_000179.3 (MANE Select); coding-DNA positions 2719 to 2720, 2 bases deleted (GT; older notation c.2719_2720delGT).
Protein change: p.Val907fs; shifts the reading frame from valine 907.
Molecular consequence: frameshift variant.
Genome position (GRCh38, 1-based): chr2:47,800,702-47,800,703, GT deleted; deleting any 2 consecutive bases within chr2:47,800,701-47,800,703 gives the same sequence; the c. name uses the placement nearest the transcript's 3' end. VCF-style (leftmost placement, unchanged base first): chr2-47800700-CTG-C. GRCh37 (hg19) VCF-style: chr2-48027839-CTG-C.
Other names: c.2329_2330del, p.Val777fs (NM_001281492.2); c.1813_1814del, p.Val605fs (NM_001281493.2, NM_001281494.2); c.2719_2720delGT (NM_000179.2); short protein forms V605fs, V777fs.
Identifiers: ClinVar variation 89311 (VCV000089311.14), dbSNP rs63750904, ClinGen allele CA010790.
Genomic context (GRCh38, chr2:47,800,700, plus strand): 5'-TCCTTAAGCAGGTCATCTCTCTGCAGACAAAAAATCCTGAAGGTCGTTTTCCTGATTTGA[CTG>C]TAGAATTGAACCGATGGGATACAGCCTTTGACCATGAAAAGGCTCGAAAGACTGGACTTA-3'